The following is an entry in ClinVar:

ClinVar aggregate classification (germline): Likely benign (0 of 4 stars; one submission).

Conditions:
TSEN34-related disorder. Also called: TSEN34-related condition.

Allele frequency attached by ClinVar (database versions not stated): gnomAD exomes below 0.00001.

Submission:

PreventionGenetics, part of Exact Sciences
Classification: Likely benign for TSEN34-related condition. Last evaluated: 2020-04-08. Review status: no assertion criteria provided. Collection method: clinical testing. Allele origin: germline.
Comment: This variant is classified as likely benign based on ACMG/AMP sequence variant interpretation guidelines (Richards et al. 2015 PMID: 25741868, with internal and published modifications).

NM_001077446.4(TSEN34):c.488-9C>T

Gene: TSEN34 (tRNA splicing endonuclease subunit 34; plus strand). Cytogenetic location: 19q13.42.
Variant type: single nucleotide variant.
Coding change: c.488-9C>T on transcript NM_001077446.4 (MANE Select); 9 bases into the intron before coding-DNA position 488, C replaced by T.
Molecular consequence: intron variant.
Genome position (GRCh38, 1-based): chr19:54,192,107, C>T. VCF-style: chr19-54192107-C-T. GRCh37 (hg19) VCF-style: chr19-54695958-C-T.
Other names: c.488-9C>T (NM_024075.5, NM_001386740.1, NM_001282333.2 and 1 more transcripts).
Identifiers: ClinVar variation 3054937 (VCV003054937.2), dbSNP rs368604010, ClinGen allele CA2587026847.